The following is an entry in ClinVar:

NM_000246.4(CIITA):c.2394G>A (p.Pro798=)

Gene: CIITA (class II major histocompatibility complex transactivator; plus strand). Cytogenetic location: 16p13.13.
Variant type: single nucleotide variant.
Coding change: c.2394G>A on transcript NM_000246.4 (MANE Select); coding-DNA position 2394, G replaced by A.
Protein change: p.Pro798=; no amino-acid change (proline 798 retained).
Molecular consequence: synonymous variant. On other transcripts: intron variant (1).
Genome position (GRCh38, 1-based): chr16:10,907,886, G>A. VCF-style: chr16-10907886-G-A. GRCh37 (hg19) VCF-style: chr16-11001743-G-A.
Other names: p.Pro798=; c.860-1097G>A (NM_001286403.2); c.2397G>A, p.Pro799= (NM_001286402.1, NM_001379332.1); c.2250G>A, p.Pro750= (NM_001379330.1); c.2247G>A, p.Pro749= (NM_001379331.1); c.2394G>A, p.Pro798= (NM_001379333.1); c.2325G>A, p.Pro775= (NM_001379334.1).
Identifiers: ClinVar variation 317710 (VCV000317710.23), dbSNP rs2229320, ClinGen allele CA7900365.
Genomic context (GRCh38, chr16:10,907,886, plus strand): 5'-GGCTGCCTCGGTGGACAGGAAGCAGAAGGTGCTTGCGAGGTACCTGAAGCGGCTGCAGCC[G>A]GGGACACTGCGGGCGCGGCAGCTGCTGGAGCTGCTGCACTGCGCCCACGAGGCCGAGGAG-3'
Protein context (NP_000237.2, residues 788-808): VLARYLKRLQ[Pro798=]GTLRARQLLE

ClinVar aggregate classification (germline): Benign. Review status: criteria provided, multiple submitters, no conflicts (2 of 4 stars). 8 submissions from 8 submitters: Benign (7). 1 of the submissions does not count toward it. Last evaluated 2026-02-04.

Conditions:
MHC class II deficiency. Also called: Bare lymphocyte syndrome 2; BLS, TYPE II. Identifiers: Orphanet 572, MedGen C5447452, MONDO:0008855.

Allele frequency attached by ClinVar (database versions not stated): 1000 Genomes Project 0.18930; ESP Exome Variant Server 0.15116; ExAC 0.21217; TOPMed 0.15407; gnomAD 0.16037 and 0.16627; 1000 Genomes Project 30x 0.18051; gnomAD exomes 0.21130.

Submissions (8):

Labcorp Genetics (formerly Invitae), Labcorp
Classification: Benign for MHC class II deficiency. Last evaluated: 2026-02-04. Review status: criteria provided, single submitter. Criteria: Invitae Variant Classification Sherloc (09022015). Collection method: clinical testing. Allele origin: germline.

Women's Health and Genetics/Laboratory Corporation of America, LabCorp
Classification: Benign. Last evaluated: 2026-01-21. Review status: criteria provided, single submitter. Criteria: LabCorp Variant Classification Summary - May 2015. Collection method: clinical testing. Allele origin: germline.

Genome-Nilou Lab
Classification: Benign for MHC class II deficiency 1. Last evaluated: 2021-07-10. Review status: criteria provided, single submitter. Criteria: ACMG Guidelines, 2015. Collection method: clinical testing. Allele origin: germline. Affected: no.

Mayo Clinic Laboratories, Mayo Clinic
Classification: Benign. Last evaluated: 2018-04-19. Review status: criteria provided, single submitter. Criteria: ACMG Guidelines, 2015. Collection method: clinical testing. Allele origin: germline. Observed: 30 variant alleles.

Illumina Laboratory Services, Illumina
Classification: Benign for MHC class II deficiency 1. Last evaluated: 2018-01-13. Review status: criteria provided, single submitter. Criteria: ICSL Variant Classification Criteria 13 December 2019. Collection method: clinical testing. Allele origin: germline.
Comment: This variant was observed in the ICSL laboratory as part of a predisposition screen in an ostensibly healthy population. It had not been previously curated by ICSL or reported in the Human Gene Mutation Database (HGMD: prior to June 1st, 2018), and was therefore a candidate for classification through an automated scoring system. Utilizing variant allele frequency, disease prevalence and penetrance estimates, and inheritance mode, an automated score was calculated to assess if this variant is too frequent to cause the disease. Based on the score and internal cut-off values, a variant classified as benign is not then subjected to further curation. The score for this variant resulted in a classification of benign for this disease.

Laboratory for Molecular Medicine, Mass General Brigham Personalized Medicine
Classification: Benign. Last evaluated: 2016-03-28. Review status: criteria provided, single submitter. Criteria: LMM Criteria. Collection method: clinical testing. Allele origin: germline.
Comment: Variant identified in a genome or exome case(s) and assessed due to predicted null impact of the variant or pathogenic assertions in the literature or databases. Disclaimer: This variant has not undergone full assessment. The following are preliminary notes: Frequency

Breakthrough Genomics
Classification: Benign. Review status: criteria provided, single submitter. Criteria: ACMG Guidelines, 2015. Collection method: not provided. Allele origin: germline. Inheritance: Autosomal recessive inheritance. Affected: yes.

Natera, Inc.
Classification: Benign for Bare lymphocyte syndrome type II. Last evaluated: 2020-09-16. Review status: no assertion criteria provided. Collection method: clinical testing. Allele origin: germline. Not counted in ClinVar's aggregate classification.